The following is an entry in ClinVar:

NM_177438.3(DICER1):c.1187A>G (p.Glu396Gly)

Gene: DICER1 (dicer 1, ribonuclease III; minus strand). Cytogenetic location: 14q32.13.
Variant type: single nucleotide variant.
Coding change: c.1187A>G on transcript NM_177438.3 (MANE Select); coding-DNA position 1187, A replaced by G.
Protein change: p.Glu396Gly; replaces glutamic acid 396 with glycine.
Molecular consequence: missense variant.
Genome position (GRCh38, 1-based): chr14:95,124,385, T>C on the plus strand (A>G on the coding strand, the complement: DICER1 is on the minus strand). VCF-style: chr14-95124385-T-C. GRCh37 (hg19) VCF-style: chr14-95590722-T-C.
Other names: c.1187A>G, p.Glu396Gly (NM_001195573.1, NM_001271282.3, NM_001291628.2 and 1 more transcripts); short protein forms E396G.
Identifiers: ClinVar variation 477031 (VCV000477031.11), dbSNP rs1555374707, ClinGen allele CA390886768.

ClinVar aggregate classification (germline): Uncertain significance. Review status: criteria provided, multiple submitters, no conflicts (2 of 4 stars). 2 submissions from 2 submitters: Uncertain significance (2). Last evaluated 2026-03-18.

Conditions:
DICER1-related tumor predisposition. Also called: DICER1-related pleuropulmonary blastoma cancer predisposition syndrome; DICER1 syndrome. Identifiers: Orphanet 284343, MedGen C3839822, MONDO:0100216.
Hereditary cancer-predisposing syndrome. Also called: Tumor predisposition; Hereditary neoplastic syndrome; Neoplastic Syndromes, Hereditary; Hereditary Cancer Syndrome. Identifiers: Orphanet 140162, MedGen C0027672, MeSH D009386, MONDO:0015356.

Submissions (2):

Ambry Genetics
Classification: Uncertain significance for Hereditary cancer-predisposing syndrome. Last evaluated: 2026-03-18. Review status: criteria provided, single submitter. Criteria: Ambry Variant Classification Scheme 2023. Collection method: clinical testing. Allele origin: germline.
Comment: The p.E396G variant (also known as c.1187A>G), located in coding exon 7 of the DICER1 gene, results from an A to G substitution at nucleotide position 1187. The glutamic acid at codon 396 is replaced by glycine, an amino acid with similar properties. This amino acid position is conserved. In addition, the in silico prediction for this alteration is inconclusive. Based on the available evidence, the clinical significance of this variant remains unclear.

Labcorp Genetics (formerly Invitae), Labcorp
Classification: Uncertain significance for DICER1-related tumor predisposition. Last evaluated: 2017-01-26. Review status: criteria provided, single submitter. Criteria: Invitae Variant Classification Sherloc (09022015). Collection method: clinical testing. Allele origin: germline.
Comment: Algorithms developed to predict the effect of missense changes on protein structure and function do not agree on the potential impact of this missense change (SIFT: "Deleterious"; PolyPhen-2: "Probably Damaging"; Align-GVGD: "Class C0"). In summary, this variant is a novel missense change with uncertain impact on protein function. It has been classified as a Variant of Uncertain Significance. This sequence change replaces glutamic acid with glycine at codon 396 of the DICER1 protein (p.Glu396Gly). The glutamic acid residue is highly conserved and there is a moderate physicochemical difference between glutamic acid and glycine. This variant is not present in population databases (ExAC no frequency) and has not been reported in the literature in individuals with a DICER1-related disease.